The following is an entry in ClinVar:

ClinVar aggregate classification (germline): Uncertain significance (1 of 4 stars; one submission).

Conditions:
BBS10-related disorder. Also called: BBS10-related condition.

Submission:

PreventionGenetics, part of Exact Sciences
Classification: Uncertain significance for BBS10-related condition. Last evaluated: 2026-03-03. Review status: criteria provided, single submitter. Criteria: ACMG Guidelines, 2015. Collection method: clinical testing. Allele origin: germline.
Comment: The BBS10 c.1795G>A variant is predicted to result in the amino acid substitution p.Val599Ile. To our knowledge, this variant has not been reported in the literature. This variant is reported in 0.022% of alleles in individuals of East Asian descent in gnomAD. At this time, the clinical significance of this variant is uncertain due to the absence of conclusive functional and genetic evidence.

NM_024685.4(BBS10):c.1795G>A (p.Val599Ile)

Gene: BBS10 (Bardet-Biedl syndrome 10; minus strand). Cytogenetic location: 12q21.2.
Variant type: single nucleotide variant.
Coding change: c.1795G>A on transcript NM_024685.4 (MANE Select); coding-DNA position 1795, G replaced by A.
Protein change: p.Val599Ile; replaces valine 599 with isoleucine.
Molecular consequence: missense variant.
Genome position (GRCh38, 1-based): chr12:76,346,190, C>T on the plus strand (G>A on the coding strand, the complement: BBS10 is on the minus strand). VCF-style: chr12-76346190-C-T. GRCh37 (hg19) VCF-style: chr12-76739970-C-T.
Other names: short protein forms V599I.
Identifiers: ClinVar variation 4977085 (VCV004977085.1).
Genomic context (GRCh38, chr12:76,346,190, plus strand): 5'-TGGCATAATTGAGAAGATAGTAATGTAACAAGATCTCAAAATTACCACCTACTGGCAAAA[C>T]ACAACCAGCTGGCATAGATGAGGAAAGGTAACTCTGGGAAGTACCCATATTCGGTAACTT-3'
Protein context (NP_078961.3, residues 589-609): YLSSSMPAGC[Val599Ile]LPVGGNFEIL